The following is an entry in ClinVar:

NM_001621.5(AHR):c.2020G>A (p.Val674Ile)

Gene: AHR (aryl hydrocarbon receptor; plus strand). Cytogenetic location: 7p21.1.
Variant type: single nucleotide variant.
Coding change: c.2020G>A on transcript NM_001621.5 (MANE Select); coding-DNA position 2020, G replaced by A.
Protein change: p.Val674Ile; replaces valine 674 with isoleucine.
Molecular consequence: missense variant.
Genome position (GRCh38, 1-based): chr7:17,339,845, G>A. VCF-style: chr7-17339845-G-A. GRCh37 (hg19) VCF-style: chr7-17379469-G-A.
Other names: c.2020G>A (NM_001621.4); short protein forms V674I.
Identifiers: ClinVar variation 1015449 (VCV001015449.10), dbSNP rs753313211, ClinGen allele CA4172221.

ClinVar aggregate classification (germline): Uncertain significance. Review status: criteria provided, multiple submitters, no conflicts (2 of 4 stars). 2 submissions from 2 submitters: Uncertain significance (2). Last evaluated 2023-11-06.

Allele frequency attached by ClinVar (database versions not stated): gnomAD exomes below 0.00001 and 0.00001; ExAC 0.00002; TOPMed 0.00002; gnomAD 0.00003 and 0.00004.

Submissions (2):

Labcorp Genetics (formerly Invitae), Labcorp
Classification: Uncertain significance. Last evaluated: 2023-11-06. Review status: criteria provided, single submitter. Criteria: Invitae Variant Classification Sherloc (09022015). Collection method: clinical testing. Allele origin: germline.
Comment: This sequence change replaces valine, which is neutral and non-polar, with isoleucine, which is neutral and non-polar, at codon 674 of the AHR protein (p.Val674Ile). This variant is present in population databases (rs753313211, gnomAD 0.002%). This variant has not been reported in the literature in individuals affected with AHR-related conditions. ClinVar contains an entry for this variant (Variation ID: 1015449). Algorithms developed to predict the effect of missense changes on protein structure and function output the following: SIFT: "Not Available"; PolyPhen-2: "Benign"; Align-GVGD: "Not Available". The isoleucine amino acid residue is found in multiple mammalian species, which suggests that this missense change does not adversely affect protein function. In summary, the available evidence is currently insufficient to determine the role of this variant in disease. Therefore, it has been classified as a Variant of Uncertain Significance.

Ambry Genetics
Classification: Uncertain significance. Last evaluated: 2021-06-11. Review status: criteria provided, single submitter. Criteria: Ambry Variant Classification Scheme 2023. Collection method: clinical testing. Allele origin: germline.